The following is an entry in ClinVar:

ClinVar aggregate classification (germline): Likely pathogenic (1 of 4 stars; one submission).

Conditions:
Retinitis pigmentosa 25 (RP25). Identifiers: Orphanet 791, MedGen C1864446, MONDO:0011272, OMIM 602772.

Submission:

Natera, Inc.
Classification: Likely pathogenic for Retinitis pigmentosa type 25. Last evaluated: 2024-05-22. Review status: criteria provided, single submitter. Criteria: Natera Variant Classification Schema (03/2026). Collection method: clinical testing. Allele origin: germline.
Comment: The c.2547del variant in EYS is a frameshift variant predicted to shift the reading frame beginning at codon 850 and leads to a stop codon 18 codons downstream. This variant is expected to result in nonsense mediated decay, truncation, or a dysfunctional protein product. This variant is rare in the general population with a frequency below the threshold expected for the associated phenotype(s). Given the available evidence, this variant is classified as Likely Pathogenic.

NM_001142800.2(EYS):c.2547del (p.Tyr850fs)

Gene: EYS (EGF-like photoreceptor maintenance factor; minus strand). Cytogenetic location: 6q12.
Variant type: Deletion.
Coding change: c.2547del on transcript NM_001142800.2 (MANE Select); coding-DNA position 2547, one base deleted (C; older notation c.2547delC).
Protein change: p.Tyr850fs; shifts the reading frame from tyrosine 850.
Molecular consequence: frameshift variant.
Genome position (GRCh38, 1-based): chr6:64,912,578, G deleted on the plus strand (C on the coding strand, the reverse complement: EYS is on the minus strand). VCF-style (leftmost placement, unchanged base first): chr6-64912577-AG-A. GRCh37 (hg19) VCF-style: chr6-65622470-AG-A.
Other names: c.2547del, p.Tyr850fs (NM_001292009.2); short protein forms Y850fs.
Identifiers: ClinVar variation 4814622 (VCV004814622.1).